The following is an entry in ClinVar:

NC_000022.10:g.(?_29090010)_(29130713_?)del

Gene: CHEK2 (checkpoint kinase 2; minus strand). Cytogenetic location: 22q12.1.
Variant type: Deletion.
Identifiers: ClinVar variation 1076758 (VCV001076758.2).

ClinVar aggregate classification (germline): Pathogenic (1 of 4 stars; one submission).

Conditions:
Familial cancer of breast. Also called: hereditary breast carcinoma; Hereditary breast cancer; BREAST CANCER, FAMILIAL. Identifiers: Orphanet 227535, MedGen C0346153, MONDO:0016419, OMIM 114480. Disease mechanism: loss of function.

Submission:

Labcorp Genetics (formerly Invitae), Labcorp
Classification: Pathogenic for Familial cancer of breast. Last evaluated: 2020-03-31. Review status: criteria provided, single submitter. Criteria: Invitae Variant Classification Sherloc (09022015). Collection method: clinical testing. Allele origin: germline.
Comment: This variant is a gross deletion of the genomic region encompassing exons 2-13 of the CHEK2 gene, which includes the initiator codon. The 5' end of this event is unknown as it extends beyond the assayed region for this gene and therefore may encompass additional genes. The 3' boundary is likely confined to intron 13 of the CHEK2 gene. This is expected to result in an absent or disrupted protein product. This variant has not been reported in the literature in individuals with CHEK2-related disease. Loss-of-function variants in CHEK2 are known to be pathogenic (PMID: 21876083, 24713400). For these reasons, this variant has been classified as Pathogenic.

Literature cited by the submitters: PubMed 21876083; PubMed 24713400.